The following is an entry in ClinVar:

ClinVar aggregate classification (germline): Uncertain significance (1 of 4 stars; one submission).

Conditions:
Opsismodysplasia (OPSMD). Also called: INPPL1-Related Opsismodysplasia. Identifiers: Orphanet 2746, MedGen C0432219, MONDO:0009785, OMIM 258480.

Allele frequency attached by ClinVar (database versions not stated): TOPMed 0.00003; ExAC 0.00005; gnomAD 0.00007; gnomAD exomes 0.00008.
gnomAD v4.1: 126 of 1,612,514 alleles (0.0078%); highest among the groups gnomAD compares: Non-Finnish European, 0.01%; no homozygotes.

Submission:

ARUP Laboratories, Molecular Genetics and Genomics, ARUP Laboratories
Classification: Uncertain significance for Opsismodysplasia. Last evaluated: 2023-10-20. Review status: criteria provided, single submitter. Criteria: ARUP Molecular Germline Variant Investigation Process 2024. Collection method: clinical testing. Allele origin: germline.
Comment: The INPPL1 c.1012G>T; p.Val338Leu variant (rs774932133), to our knowledge, is not reported in the medical literature or gene specific databases. This variant is found in the general population with an overall allele frequency of 0.004% (13/281,136 alleles) in the Genome Aggregation Database. Computational analyses predict that this variant is deleterious (REVEL: 0.71). Due to limited information, the clinical significance of the p.Val338Leu variant is uncertain at this time.

NM_001567.4(INPPL1):c.1012G>T (p.Val338Leu)

Gene: INPPL1 (inositol polyphosphate phosphatase like 1; plus strand). Cytogenetic location: 11q13.4.
Variant type: single nucleotide variant.
Coding change: c.1012G>T on transcript NM_001567.4 (MANE Select); coding-DNA position 1012, G replaced by T.
Protein change: p.Val338Leu; replaces valine 338 with leucine.
Molecular consequence: missense variant.
Genome position (GRCh38, 1-based): chr11:72,230,193, G>T. VCF-style: chr11-72230193-G-T. GRCh37 (hg19) VCF-style: chr11-71941237-G-T.
Other names: short protein forms V338L.
Identifiers: ClinVar variation 2921100 (VCV002921100.1), dbSNP rs774932133, ClinGen allele CA6169862.
Genomic context (GRCh38, chr11:72,230,193, plus strand): 5'-GTGACCCTGGGTGACCTGACCAAGATTGGGAAGTCACAGAAGTTCACGCTGAGCGTGGAT[G>T]TGGAGGGTGGGCGGCTGGTGCTGCTGCGGAGACAGCGGGACTCCCAGGAGGACTGGACCA-3'
Protein context (NP_001558.3, residues 328-348): KSQKFTLSVD[Val338Leu]EGGRLVLLRR